The following is an entry in ClinVar:

ClinVar aggregate classification (germline): Conflicting classifications of pathogenicity. Review status: criteria provided, conflicting classifications (1 of 4 stars). 4 submissions from 4 submitters: Uncertain significance (2); Likely benign (2). Last evaluated 2025-08-14.

Conditions:
NLRP3-related disorder. Also called: NLRP3-Related Disorders; NLRP3-related condition.
Cryopyrin associated periodic syndrome (CAPS). Identifiers: Orphanet 208650, MedGen C2316212, MONDO:0016168.

Allele frequency attached by ClinVar (database versions not stated): gnomAD 0.00004 and 0.00005; TOPMed 0.00004; ExAC 0.00005; gnomAD exomes 0.00006; 1000 Genomes Project 30x 0.00031; 1000 Genomes Project 0.00040.
gnomAD v4.1: 25 of 1,613,748 alleles (0.0015%); highest among the groups gnomAD compares: East Asian, 0.04%; no homozygotes.

Submissions (4):

Labcorp Genetics (formerly Invitae), Labcorp
Classification: Likely benign for Cryopyrin associated periodic syndrome. Last evaluated: 2025-08-14. Review status: criteria provided, single submitter. Criteria: Invitae Variant Classification Sherloc (09022015). Collection method: clinical testing. Allele origin: germline.

PreventionGenetics, part of Exact Sciences
Classification: Uncertain significance for NLRP3-related condition. Last evaluated: 2025-07-22. Review status: criteria provided, single submitter. Criteria: ACMG Guidelines, 2015. Collection method: clinical testing. Allele origin: germline.
Comment: The NLRP3 c.226G>A variant is predicted to result in the amino acid substitution p.Ala76Thr. This variant has been reported in an individual with hearing loss (Table S2, Ma et al. 2023. PubMed ID: 36597107). This variant is reported in 0.071% of alleles in individuals of East Asian descent in gnomAD, which is higher than expected for causative variant in autosomal dominant disorder. Although we suspect that this variant may be benign, at this time, the clinical significance of this variant is uncertain due to the absence of conclusive functional and genetic evidence.

CeGaT Center for Human Genetics Tuebingen
Classification: Likely benign. Last evaluated: 2024-12-01. Review status: criteria provided, single submitter. Criteria: CeGaT Center For Human Genetics Tuebingen Variant Classification Criteria Version 2. Collection method: clinical testing. Allele origin: germline. Affected: yes. Observed: 1 variant allele.
Comment: NLRP3: BP4, BS1

GeneDx
Classification: Uncertain significance. Last evaluated: 2024-09-05. Review status: criteria provided, single submitter. Criteria: GeneDx Variant Classification Process June 2021. Collection method: clinical testing. Allele origin: germline. Affected: yes.
Comment: Observed in a patient with hearing loss in published literature; clinical information is limited (PMID: 36597107); In silico analysis indicates that this missense variant does not alter protein structure/function; Also known as p.(A74T); This variant is associated with the following publications: (PMID: 37809096, 36597107)

NM_001243133.2(NLRP3):c.220G>A (p.Ala74Thr)

Gene: NLRP3 (NLR family pyrin domain containing 3; plus strand). Cytogenetic location: 1q44.
Variant type: single nucleotide variant.
Coding change: c.220G>A on transcript NM_001243133.2 (MANE Select); coding-DNA position 220, G replaced by A.
Protein change: p.Ala74Thr; replaces alanine 74 with threonine.
Molecular consequence: missense variant.
Genome position (GRCh38, 1-based): chr1:247,419,020, G>A. VCF-style: chr1-247419020-G-A. GRCh37 (hg19) VCF-style: chr1-247582322-G-A.
Other names: c.226G>A (NM_004895.4); c.220G>A, p.Ala74Thr (NM_001079821.3, NM_001127461.3, NM_001127462.3 and 1 more transcripts); c.226G>A, p.Ala76Thr (NM_004895.5); short protein forms A74T, A76T.
Identifiers: ClinVar variation 1077243 (VCV001077243.23), dbSNP rs537715421, ClinGen allele CA1494765.